The following is an entry in ClinVar:

ClinVar aggregate classification (germline): Uncertain significance (1 of 4 stars; one submission).

Conditions:
Cholestanol storage disease (CTX). Also called: CEREBRAL CHOLESTERINOSIS; CTX: Cerebrotendinous xanthomatosis; Cerebrotendinous Xanthomatosis. Identifiers: Orphanet 909, MedGen C0238052, MONDO:0008948, OMIM 213700.

Allele frequency attached by ClinVar (database versions not stated): TOPMed below 0.00001; gnomAD 0.00001.
gnomAD v4.1: 2 of 1,544,886 alleles (0.00013%); highest among the groups gnomAD compares: Non-Finnish European, 0.00017%; no homozygotes.

Submission:

Labcorp Genetics (formerly Invitae), Labcorp
Classification: Uncertain significance for Cholestanol storage disease. Last evaluated: 2022-04-01. Review status: criteria provided, single submitter. Criteria: Invitae Variant Classification Sherloc (09022015). Collection method: clinical testing. Allele origin: germline.
Comment: In summary, the available evidence is currently insufficient to determine the role of this variant in disease. Therefore, it has been classified as a Variant of Uncertain Significance. Advanced modeling of protein sequence and biophysical properties (such as structural, functional, and spatial information, amino acid conservation, physicochemical variation, residue mobility, and thermodynamic stability) performed at Invitae indicates that this missense variant is not expected to disrupt CYP27A1 protein function. This variant has not been reported in the literature in individuals affected with CYP27A1-related conditions. This variant is not present in population databases (gnomAD no frequency). This sequence change replaces arginine, which is basic and polar, with cysteine, which is neutral and slightly polar, at codon 18 of the CYP27A1 protein (p.Arg18Cys).

NM_000784.4(CYP27A1):c.52C>T (p.Arg18Cys)

Gene: CYP27A1 (cytochrome P450 family 27 subfamily A member 1; plus strand). Cytogenetic location: 2q35.
Variant type: single nucleotide variant.
Coding change: c.52C>T on transcript NM_000784.4 (MANE Select); coding-DNA position 52, C replaced by T.
Protein change: p.Arg18Cys; replaces arginine 18 with cysteine.
Molecular consequence: missense variant.
Genome position (GRCh38, 1-based): chr2:218,782,234, C>T. VCF-style: chr2-218782234-C-T. GRCh37 (hg19) VCF-style: chr2-219646957-C-T.
Other names: short protein forms R18C.
Identifiers: ClinVar variation 2120201 (VCV002120201.4), dbSNP rs1284837909, ClinGen allele CA350575567.